The following is an entry in ClinVar:

ClinVar aggregate classification (germline): Uncertain significance (1 of 4 stars; one submission).

Allele frequency attached by ClinVar (database versions not stated): gnomAD 0.00001; gnomAD exomes 0.00002.
gnomAD v4.1: 21 of 1,611,226 alleles (0.0013%); highest among the groups gnomAD compares: Admixed American, 0.0033%; no homozygotes.

Submission:

Labcorp Genetics (formerly Invitae), Labcorp
Classification: Uncertain significance. Last evaluated: 2024-05-09. Review status: criteria provided, single submitter. Criteria: Invitae Variant Classification Sherloc (09022015). Collection method: clinical testing. Allele origin: germline.
Comment: This sequence change replaces arginine, which is basic and polar, with tryptophan, which is neutral and slightly polar, at codon 330 of the ZNF513 protein (p.Arg330Trp). The frequency data for this variant in the population databases is considered unreliable, as metrics indicate poor data quality at this position in the gnomAD database. This variant has not been reported in the literature in individuals affected with ZNF513-related conditions. ClinVar contains an entry for this variant (Variation ID: 1522799). An algorithm developed to predict the effect of missense changes on protein structure and function (PolyPhen-2) suggests that this variant is likely to be tolerated. In summary, the available evidence is currently insufficient to determine the role of this variant in disease. Therefore, it has been classified as a Variant of Uncertain Significance.

NM_144631.6(ZNF513):c.988C>T (p.Arg330Trp)

Gene: ZNF513 (zinc finger protein 513; minus strand). Cytogenetic location: 2p23.3.
Variant type: single nucleotide variant.
Coding change: c.988C>T on transcript NM_144631.6 (MANE Select); coding-DNA position 988, C replaced by T.
Protein change: p.Arg330Trp; replaces arginine 330 with tryptophan.
Molecular consequence: missense variant.
Genome position (GRCh38, 1-based): chr2:27,378,183, G>A on the plus strand (C>T on the coding strand, the complement: ZNF513 is on the minus strand). VCF-style: chr2-27378183-G-A. GRCh37 (hg19) VCF-style: chr2-27601050-G-A.
Other names: c.802C>T, p.Arg268Trp (NM_001201459.2); short protein forms R330W, R268W.
Identifiers: ClinVar variation 1522799 (VCV001522799.8), dbSNP rs1233213824, ClinGen allele CA346216517.